The following is an entry in ClinVar:

NM_004836.7(EIF2AK3):c.913A>G (p.Ile305Val)

Gene: EIF2AK3 (eukaryotic translation initiation factor 2 alpha kinase 3; minus strand). Cytogenetic location: 2p11.2.
Variant type: single nucleotide variant.
Coding change: c.913A>G on transcript NM_004836.7 (MANE Select); coding-DNA position 913, A replaced by G.
Protein change: p.Ile305Val; replaces isoleucine 305 with valine.
Molecular consequence: missense variant.
Genome position (GRCh38, 1-based): chr2:88,590,907, T>C on the plus strand (A>G on the coding strand, the complement: EIF2AK3 is on the minus strand). VCF-style: chr2-88590907-T-C. GRCh37 (hg19) VCF-style: chr2-88890425-T-C.
Other names: c.460A>G, p.Ile154Val (NM_001313915.2); short protein forms I305V, I154V.
Identifiers: ClinVar variation 1364029 (VCV001364029.4), dbSNP rs769083965, ClinGen allele CA1754813.

ClinVar aggregate classification (germline): Uncertain significance. Review status: criteria provided, multiple submitters, no conflicts (2 of 4 stars). 2 submissions from 2 submitters: Uncertain significance (2). Last evaluated 2022-09-27.

Conditions:
Wolcott-Rallison dysplasia. Also called: MED-IDDM SYNDROME; Wolcott-Rallison syndrome. Identifiers: Orphanet 1667, MedGen C0432217, MONDO:0009192, OMIM 226980.

Allele frequency attached by ClinVar (database versions not stated): ExAC 0.00001; gnomAD exomes 0.00001; gnomAD 0.00002; TOPMed 0.00005.
gnomAD v4.1: 13 of 1,614,020 alleles (0.00081%); highest among the groups gnomAD compares: African/African-American, 0.008%; no homozygotes.

Submissions (2):

Labcorp Genetics (formerly Invitae), Labcorp
Classification: Uncertain significance. Last evaluated: 2022-09-27. Review status: criteria provided, single submitter. Criteria: Invitae Variant Classification Sherloc (09022015). Collection method: clinical testing. Allele origin: germline.
Comment: This sequence change replaces isoleucine, which is neutral and non-polar, with valine, which is neutral and non-polar, at codon 305 of the EIF2AK3 protein (p.Ile305Val). This variant is present in population databases (rs769083965, gnomAD 0.007%). This variant has not been reported in the literature in individuals affected with EIF2AK3-related conditions. ClinVar contains an entry for this variant (Variation ID: 1364029). Algorithms developed to predict the effect of missense changes on protein structure and function output the following: SIFT: "Tolerated"; PolyPhen-2: "Benign"; Align-GVGD: "Class C0". The valine amino acid residue is found in multiple mammalian species, which suggests that this missense change does not adversely affect protein function. In summary, the available evidence is currently insufficient to determine the role of this variant in disease. Therefore, it has been classified as a Variant of Uncertain Significance.

Fulgent Genetics
Classification: Uncertain significance for Wolcott-Rallison dysplasia. Last evaluated: 2022-04-07. Review status: criteria provided, single submitter. Criteria: ACMG Guidelines, 2015. Collection method: clinical testing. Allele origin: unknown.